The following is an entry in ClinVar:

ClinVar aggregate classification (germline): Uncertain significance (1 of 4 stars; one submission).

Conditions:
Hypogonadotropic hypogonadism 2 with or without anosmia (HH2). Also called: HYPOGONADOTROPIC HYPOGONADISM 2 WITHOUT ANOSMIA; HYPOGONADOTROPIC HYPOGONADISM 2 WITH OR WITHOUT ANOSMIA, SUSCEPTIBILITY TO; HYPOGONADOTROPIC HYPOGONADISM 2 WITHOUT ANOSMIA, SUSCEPTIBILITY TO; FGFR1-Related GnRH Deficiency (Kallmann Syndrome 2). Identifiers: Orphanet 478, MedGen C1563720, MONDO:0007844, OMIM 147950. Disease mechanism: loss of function.
Pfeiffer syndrome (ACS5). Also called: ACS V. Identifiers: Orphanet 710, MedGen C0220658, MONDO:0007043, OMIM 101600.

Submission:

Labcorp Genetics (formerly Invitae), Labcorp
Classification: Uncertain significance for Pfeiffer syndrome; Hypogonadotropic hypogonadism 2 with or without anosmia. Last evaluated: 2022-04-15. Review status: criteria provided, single submitter. Criteria: Invitae Variant Classification Sherloc (09022015). Collection method: clinical testing. Allele origin: germline.
Comment: In summary, the available evidence is currently insufficient to determine the role of this variant in disease. Therefore, it has been classified as a Variant of Uncertain Significance. Algorithms developed to predict the effect of sequence changes on RNA splicing suggest that this variant may create or strengthen a splice site. This variant has been observed in individual(s) with clinical features of hypogonadotropic hypogonadism (Invitae). This variant is not present in population databases (gnomAD no frequency). This variant, c.1592_1594del, is a complex sequence change that results in the deletion of 2 and insertion of 1 amino acid(s) in the FGFR1 protein (p.Glu531_Met532delinsVal).

NM_023110.3(FGFR1):c.1592_1594del (p.Glu531_Met532delinsVal)

Gene: FGFR1 (fibroblast growth factor receptor 1; minus strand). Cytogenetic location: 8p11.23.
Variant type: Deletion.
Coding change: c.1592_1594del on transcript NM_023110.3 (MANE Select); coding-DNA positions 1592 to 1594, 3 bases deleted (AAA; older notation c.1592_1594delAAA).
Protein change: p.Glu531_Met532delinsVal.
Molecular consequence: inframe indel.
Genome position (GRCh38, 1-based): chr8:38,417,375-38,417,377, TTT deleted on the plus strand (AAA on the coding strand, the reverse complement: FGFR1 is on the minus strand). VCF-style (leftmost placement, unchanged base first): chr8-38417374-ATTT-A. GRCh37 (hg19) VCF-style: chr8-38274892-ATTT-A.
Other names: c.1592_1594delAAA, p.Glu531_Met532delinsVal (NM_000604.2); c.1586_1588del, p.Glu529_Met530delinsVal (NM_001174063.2, NM_001174065.2, NM_001354367.2 and 1 more transcripts); c.1562_1564del, p.Glu521_Met522delinsVal (NM_001174064.2); c.1325_1327del, p.Glu442_Met443delinsVal (NM_001174066.2, NM_023105.3); c.1685_1687del, p.Glu562_Met563delinsVal (NM_001174067.2); c.1313_1315del, p.Glu438_Met439delinsVal (NM_001354368.2); c.1580_1582del, p.Glu527_Met528delinsVal (NM_001354369.2); c.1319_1321del, p.Glu440_Met441delinsVal (NM_001354370.2, NM_023106.3); and 1 more.
Identifiers: ClinVar variation 2013858 (VCV002013858.4), dbSNP rs2536892903, ClinGen allele CA2580078250.